The following is an entry in ClinVar:

NM_000231.3(SGCG):c.284T>G (p.Ile95Arg)

Gene: SGCG (sarcoglycan gamma; plus strand). Cytogenetic location: 13q12.12.
Variant type: single nucleotide variant.
Coding change: c.284T>G on transcript NM_000231.3 (MANE Select); coding-DNA position 284, T replaced by G.
Protein change: p.Ile95Arg; replaces isoleucine 95 with arginine.
Molecular consequence: missense variant.
Genome position (GRCh38, 1-based): chr13:23,234,699, T>G. VCF-style: chr13-23234699-T-G. GRCh37 (hg19) VCF-style: chr13-23808838-T-G.
Other names: c.338T>G, p.Ile113Arg (NM_001378244.1); c.284T>G, p.Ile95Arg (NM_001378245.1, NM_001378246.1); short protein forms I113R, I95R.
Identifiers: ClinVar variation 2671760 (VCV002671760.1), dbSNP rs2541900393, ClinGen allele CA387506707.

ClinVar aggregate classification (germline): Uncertain significance (1 of 4 stars; one submission).

Conditions:
Autosomal recessive limb-girdle muscular dystrophy type 2C (LGMDR5). Also called: MUSCULAR DYSTROPHY, DUCHENNE-LIKE; MUSCULAR DYSTROPHY, LIMB-GIRDLE, AUTOSOMAL RECESSIVE 5. Identifiers: Orphanet 353, MedGen C0410173, MONDO:0009677, OMIM 253700. Disease mechanism: Affects gamma-sarcoglycan and also disrupts the integrity of the entire sarcoglycan complex..

Submission:

Neuberg Centre For Genomic Medicine, NCGM
Classification: Uncertain significance for Autosomal recessive limb-girdle muscular dystrophy type 2C. Last evaluated: 2023-02-14. Review status: criteria provided, single submitter. Criteria: ACMG Guidelines, 2015. Collection method: clinical testing. Allele origin: germline. Inheritance: Autosomal recessive inheritance. Affected: yes.
Comment: The missense c.284T>G (p.Ile95Arg) variant in SGCG gene has not been reported previously as a pathogenic variant nor as a benign variant, to our knowledge. The variant is novel (not in any individuals) in gnomAD Exomes and 1000 Genomes. The amino acid Isoleucine at position 95 is changed to a Arginine changing protein sequence and it might alter its composition and physico-chemical properties. The variant is predicted as damaging by SIFT. The amino acid change p.Ile95Arg in SGCG is predicted as conserved by GERP++ and PhyloP across 100 vertebrates. For these reasons, this variant has been classified as Uncertain Significance.